The following is an entry in ClinVar:

ClinVar aggregate classification (germline): Uncertain significance (1 of 4 stars; one submission).

Conditions:
Norman-Roberts syndrome (LIS2). Also called: Lissencephaly 2 (Norman-Roberts type). Identifiers: Orphanet 89844, MedGen C0796089, MONDO:0009760, OMIM 257320.
Familial temporal lobe epilepsy 7. Identifiers: Orphanet 101046, MedGen C4225327, MONDO:0014639, OMIM 616436.

Allele frequency attached by ClinVar (database versions not stated): gnomAD exomes 0.00002; ExAC 0.00003; gnomAD 0.00003; TOPMed 0.00003; ESP Exome Variant Server 0.00015.
gnomAD v4.1: 37 of 1,613,820 alleles (0.0023%); highest among the groups gnomAD compares: Non-Finnish European, 0.0031%; no homozygotes.

Submission:

Labcorp Genetics (formerly Invitae), Labcorp
Classification: Uncertain significance for Familial temporal lobe epilepsy 7; Norman-Roberts syndrome. Last evaluated: 2025-09-02. Review status: criteria provided, single submitter. Criteria: Invitae Variant Classification Sherloc (09022015). Collection method: clinical testing. Allele origin: germline.
Comment: This sequence change replaces asparagine, which is neutral and polar, with serine, which is neutral and polar, at codon 2418 of the RELN protein (p.Asn2418Ser). This variant is present in population databases (rs145844782, gnomAD 0.005%). This variant has not been reported in the literature in individuals affected with RELN-related conditions. ClinVar contains an entry for this variant (Variation ID: 953131). Invitae Evidence Modeling of protein sequence and biophysical properties (such as structural, functional, and spatial information, amino acid conservation, physicochemical variation, residue mobility, and thermodynamic stability) indicates that this missense variant is not expected to disrupt RELN protein function with a negative predictive value of 80%. In summary, the available evidence is currently insufficient to determine the role of this variant in disease. Therefore, it has been classified as a Variant of Uncertain Significance.

NM_005045.4(RELN):c.7253A>G (p.Asn2418Ser)

Gene: RELN (reelin; minus strand). Cytogenetic location: 7q22.1.
Variant type: single nucleotide variant.
Coding change: c.7253A>G on transcript NM_005045.4 (MANE Select); coding-DNA position 7253, A replaced by G.
Protein change: p.Asn2418Ser; replaces asparagine 2418 with serine.
Molecular consequence: missense variant.
Genome position (GRCh38, 1-based): chr7:103,535,412, T>C on the plus strand (A>G on the coding strand, the complement: RELN is on the minus strand). VCF-style: chr7-103535412-T-C. GRCh37 (hg19) VCF-style: chr7-103175859-T-C.
Other names: c.7253A>G, p.Asn2418Ser (NM_173054.3); short protein forms N2418S.
Identifiers: ClinVar variation 953131 (VCV000953131.9), dbSNP rs145844782, ClinGen allele CA4420774.